The following is an entry in ClinVar:

ClinVar aggregate classification (germline): Uncertain significance. Review status: criteria provided, single submitter (1 of 4 stars). 2 submissions from 2 submitters: Uncertain significance (1). 1 of the submissions does not count toward it. Last evaluated 2024-10-15.

Conditions:
FAN1-related disorder. Also called: FAN1-related condition.

Submissions (2):

Labcorp Genetics (formerly Invitae), Labcorp
Classification: Uncertain significance. Last evaluated: 2024-10-15. Review status: criteria provided, single submitter. Criteria: Invitae Variant Classification Sherloc (09022015). Collection method: clinical testing. Allele origin: germline.
Comment: This sequence change replaces serine, which is neutral and polar, with cysteine, which is neutral and slightly polar, at codon 326 of the FAN1 protein (p.Ser326Cys). This variant is not present in population databases (gnomAD no frequency). This variant has not been reported in the literature in individuals affected with FAN1-related conditions. An algorithm developed to predict the effect of missense changes on protein structure and function outputs the following: PolyPhen-2: "Benign". The cysteine amino acid residue is found in multiple mammalian species, which suggests that this missense change does not adversely affect protein function. In summary, the available evidence is currently insufficient to determine the role of this variant in disease. Therefore, it has been classified as a Variant of Uncertain Significance.

PreventionGenetics, part of Exact Sciences
Classification: Uncertain significance for FAN1-related condition. Last evaluated: 2024-05-16. Review status: no assertion criteria provided. Collection method: clinical testing. Allele origin: germline. Not counted in ClinVar's aggregate classification.
Comment: The FAN1 c.977C>G variant is predicted to result in the amino acid substitution p.Ser326Cys. To our knowledge, this variant has not been reported in the literature or in a large population database, indicating this variant is rare. At this time, the clinical significance of this variant is uncertain due to the absence of conclusive functional and genetic evidence.

NM_014967.5(FAN1):c.977C>G (p.Ser326Cys)

Gene: FAN1 (FANCD2 and FANCI associated nuclease 1; plus strand). Cytogenetic location: 15q13.3.
Variant type: single nucleotide variant.
Coding change: c.977C>G on transcript NM_014967.5 (MANE Select); coding-DNA position 977, C replaced by G.
Protein change: p.Ser326Cys; replaces serine 326 with cysteine.
Molecular consequence: missense variant.
Genome position (GRCh38, 1-based): chr15:30,905,640, C>G. VCF-style: chr15-30905640-C-G. GRCh37 (hg19) VCF-style: chr15-31197843-C-G.
Other names: c.977C>G, p.Ser326Cys (NM_001146094.2, NM_001146095.1, NM_001146096.2); short protein forms S326C.
Identifiers: ClinVar variation 3346818 (VCV003346818.3).
Genomic context (GRCh38, chr15:30,905,640, plus strand): 5'-TGACTGTTGCTTCAGAAGCTAAAATACAGCTGTCAGATTCAGAGGCAAAATCTCATAGTT[C>G]TGCAGATGATGCTTCTGCATGGAGTAACATCCAAGAGGCTCCTCTGCAGGATGACAGTTG-3'
Protein context (NP_055782.3, residues 316-336): LSDSEAKSHS[Ser326Cys]ADDASAWSNI